The following is an entry in ClinVar:

NM_006017.3(PROM1):c.1850dup (p.Asn617fs)

Gene: PROM1 (prominin 1; minus strand). Cytogenetic location: 4p15.32.
Variant type: Duplication.
Coding change: c.1850dup on transcript NM_006017.3 (MANE Select); coding-DNA position 1850, one base duplicated (A; older notation c.1850dupA).
Protein change: p.Asn617fs; shifts the reading frame from asparagine 617.
Molecular consequence: frameshift variant. On other transcripts: non-coding transcript variant (2), intron variant (1).
Genome position (GRCh38, 1-based): chr4:15,992,309, T duplicated on the plus strand (A on the coding strand, the reverse complement: PROM1 is on the minus strand); the first of 6 consecutive T bases (chr4:15,992,309-15,992,314); duplicating any one gives the same sequence. VCF-style (leftmost placement, unchanged base first): chr4-15992308-G-GT. GRCh37 (hg19) VCF-style: chr4-15993931-G-GT.
Other names: c.1851delinsAC (NM_006017.3); c.1779+44dup (NM_001441177.1); c.1823dup, p.Asn608fs (NM_001145847.2, NM_001145848.2, NM_001145851.2 and 8 more transcripts); c.1850dup, p.Asn617fs (NM_001145849.2, NM_001145850.2); c.1739dup, p.Asn580fs (NM_001441174.1); c.1484dup, p.Asn495fs (NM_001441179.1); short protein forms N495fs, N580fs, N608fs, N617fs.
Identifiers: ClinVar variation 4537472 (VCV004537472.1).

ClinVar aggregate classification (germline): Pathogenic (1 of 4 stars; one submission).

Conditions:
Retinitis pigmentosa 41 (RP41). Also called: RETINAL DEGENERATION, AUTOSOMAL RECESSIVE, PROMININ-RELATED. Identifiers: Orphanet 791, MedGen C2677516, MONDO:0012796, OMIM 612095.

Submission:

Research Institute for Ophthalmology and Vision Science, Shahid Beheshti University of Medical Sciences
Classification: Pathogenic for Retinitis pigmentosa 41. Last evaluated: 2025-12-13. Review status: criteria provided, single submitter. Criteria: ACMG Guidelines, 2015. Collection method: research. Allele origin: inherited. Inheritance: Autosomal recessive inheritance. Affected: yes.
Comment: The variant is not present in gnomAD databases. It has been identified in a homozygous state in patients. This is also a Null Variant in PROM1, for which loss-of-function is a recognized disease mechanism.